The following is an entry in ClinVar:

NM_004787.4(SLIT2):c.1065C>T (p.Leu355=)

Gene: SLIT2 (slit guidance ligand 2; plus strand). Cytogenetic location: 4p15.31.
Variant type: single nucleotide variant.
Coding change: c.1065C>T on transcript NM_004787.4 (MANE Select); coding-DNA position 1065, C replaced by T.
Protein change: p.Leu355=; no amino-acid change (leucine 355 retained).
Molecular consequence: synonymous variant.
Genome position (GRCh38, 1-based): chr4:20,519,388, C>T. VCF-style: chr4-20519388-C-T. GRCh37 (hg19) VCF-style: chr4-20521011-C-T.
Other names: c.1077C>T, p.Leu359= (NM_001289135.3); c.1065C>T, p.Leu355= (NM_001289136.3).
Identifiers: ClinVar variation 3061601 (VCV003061601.2), dbSNP rs151000636, ClinGen allele CA2871342.

ClinVar aggregate classification (germline): Likely benign (0 of 4 stars; one submission).

Conditions:
SLIT2-related disorder. Also called: SLIT2-related condition.

Allele frequency attached by ClinVar (database versions not stated): ExAC 0.00003; gnomAD 0.00004; gnomAD exomes 0.00005; ESP Exome Variant Server 0.00008.
gnomAD v4.1: 74 of 1,543,064 alleles (0.0048%); highest among the groups gnomAD compares: Non-Finnish European, 0.0063%; no homozygotes.

Submission:

PreventionGenetics, part of Exact Sciences
Classification: Likely benign for SLIT2-related condition. Last evaluated: 2022-12-08. Review status: no assertion criteria provided. Collection method: clinical testing. Allele origin: germline.
Comment: This variant is classified as likely benign based on ACMG/AMP sequence variant interpretation guidelines (Richards et al. 2015 PMID: 25741868, with internal and published modifications).